The following is an entry in ClinVar:

ClinVar aggregate classification (germline): Uncertain significance (1 of 4 stars; one submission).

Conditions:
Glycine encephalopathy. Also called: Non-ketotic hyperglycinemia; Nonketotic hyperglycinemia. Identifiers: Orphanet 407, MedGen C0751748, MONDO:0011612, HP:0008288.

Allele frequency attached by ClinVar (database versions not stated): gnomAD exomes below 0.00001; TOPMed below 0.00001; ExAC 0.00001; gnomAD 0.00001; ESP Exome Variant Server 0.00008.
gnomAD v4.1: 8 of 1,612,352 alleles (0.0005%); highest among the groups gnomAD compares: East Asian, 0.0022%; no homozygotes.

Submission:

Labcorp Genetics (formerly Invitae), Labcorp
Classification: Uncertain significance for Glycine encephalopathy. Last evaluated: 2022-04-07. Review status: criteria provided, single submitter. Criteria: Invitae Variant Classification Sherloc (09022015). Collection method: clinical testing. Allele origin: germline.
Comment: This sequence change falls in intron 2 of the AMT gene. It does not directly change the encoded amino acid sequence of the AMT protein. This variant is present in population databases (rs375033103, gnomAD 0.0009%). This variant has not been reported in the literature in individuals affected with AMT-related conditions. Algorithms developed to predict the effect of sequence changes on RNA splicing suggest that this variant may disrupt the consensus splice site. In summary, the available evidence is currently insufficient to determine the role of this variant in disease. Therefore, it has been classified as a Variant of Uncertain Significance.

NM_000481.4(AMT):c.259-13A>G

Gene: AMT (aminomethyltransferase; minus strand). Cytogenetic location: 3p21.31.
Variant type: single nucleotide variant.
Coding change: c.259-13A>G on transcript NM_000481.4 (MANE Select); 13 bases into the intron before coding-DNA position 259, A replaced by G.
Molecular consequence: intron variant.
Genome position (GRCh38, 1-based): chr3:49,421,585, T>C on the plus strand (A>G on the coding strand, the complement: AMT is on the minus strand). VCF-style: chr3-49421585-T-C. GRCh37 (hg19) VCF-style: chr3-49459018-T-C.
Other names: c.91-13A>G (NM_001164711.2); c.259-13A>G (NM_001164710.2, NM_001164712.2).
Identifiers: ClinVar variation 2139012 (VCV002139012.1), dbSNP rs375033103, ClinGen allele CA2398420.